The following is an entry in ClinVar:

NM_020433.5(JPH2):c.502A>C (p.Ser168Arg)

Gene: JPH2 (junctophilin 2; minus strand). Cytogenetic location: 20q13.12.
Variant type: single nucleotide variant.
Coding change: c.502A>C on transcript NM_020433.5 (MANE Select); coding-DNA position 502, A replaced by C.
Protein change: p.Ser168Arg; replaces serine 168 with arginine.
Molecular consequence: missense variant.
Genome position (GRCh38, 1-based): chr20:44,160,285, T>G on the plus strand (A>C on the coding strand, the complement: JPH2 is on the minus strand). VCF-style: chr20-44160285-T-G. GRCh37 (hg19) VCF-style: chr20-42788925-T-G.
Other names: short protein forms S168R.
Identifiers: ClinVar variation 222654 (VCV000222654.3), dbSNP rs869025439, ClinGen allele CA351892.
Genomic context (GRCh38, chr20:44,160,285, plus strand): 5'-GGCCGTCGGAGGCCGGCGAGGCGGGAGAGTCCGGGGCCACCGTGCCGTTGCTGTGCTCGC[T>G]GCGCAGGGACGACAGCGACGTGCGCAGCGGCGAGCGCACCACCACGGCCATCCCGTAGGG-3'
Protein context (NP_065166.2, residues 158-178): PLRTSLSSLR[Ser168Arg]EHSNGTVAPD

ClinVar aggregate classification (germline): Uncertain significance. Review status: criteria provided, multiple submitters, no conflicts (2 of 4 stars). 2 submissions from 2 submitters: Uncertain significance (2). Last evaluated 2024-04-08.

Conditions:
Cardiovascular phenotype. Identifiers: MedGen CN230736.

Submissions (2):

Ambry Genetics
Classification: Uncertain significance for Cardiovascular phenotype. Last evaluated: 2024-04-08. Review status: criteria provided, single submitter. Criteria: Ambry Variant Classification Scheme 2023. Collection method: clinical testing. Allele origin: germline.
Comment: The p.S168R variant (also known as c.502A>C), located in coding exon 2 of the JPH2 gene, results from an A to C substitution at nucleotide position 502. The serine at codon 168 is replaced by arginine, an amino acid with dissimilar properties. This amino acid position is highly conserved in available vertebrate species. In addition, the in silico prediction for this alteration is inconclusive. Based on the available evidence, the clinical significance of this variant remains unclear.

Women's Health and Genetics/Laboratory Corporation of America, LabCorp
Classification: Uncertain significance. Last evaluated: 2023-10-30. Review status: criteria provided, single submitter. Criteria: LabCorp Variant Classification Summary - May 2015. Collection method: clinical testing. Allele origin: germline.
Comment: Variant summary: JPH2 c.502A>C (p.Ser168Arg) results in a non-conservative amino acid change in the encoded protein sequence. Five of five in-silico tools predict a damaging effect of the variant on protein function. The variant was absent in 140630 control chromosomes. The available data on variant occurrences in the general population are insufficient to allow any conclusion about variant significance. To our knowledge, no occurrence of c.502A>C in individuals affected with Cardiomyopathy and no experimental evidence demonstrating its impact on protein function have been reported. One submitter has cited clinical-significance assessments for this variant to ClinVar after 2014 and has classified the variant as uncertain significance. Based on the evidence outlined above, the variant was classified as uncertain significance.